The following is an entry in ClinVar:

NM_003978.5(PSTPIP1):c.706A>C (p.Asn236His)

Gene: PSTPIP1 (proline-serine-threonine phosphatase interacting protein 1; plus strand). Cytogenetic location: 15q24.3.
Variant type: single nucleotide variant.
Coding change: c.706A>C on transcript NM_003978.5 (MANE Select); coding-DNA position 706, A replaced by C.
Protein change: p.Asn236His; replaces asparagine 236 with histidine.
Molecular consequence: missense variant. On other transcripts: non-coding transcript variant (1).
Genome position (GRCh38, 1-based): chr15:77,031,243, A>C. VCF-style: chr15-77031243-A-C. GRCh37 (hg19) VCF-style: chr15-77323584-A-C.
Other names: c.706A>C, p.Asn236His (NM_001321135.2, NM_001411086.1); c.679A>C, p.Asn227His (NM_001321136.2); c.901A>C, p.Asn301His (NM_001321137.1); short protein forms N227H, N236H, N301H.
Identifiers: ClinVar variation 1706369 (VCV001706369.2), dbSNP rs2076409227, ClinGen allele CA393520938.

ClinVar aggregate classification (germline): Uncertain significance (1 of 4 stars; one submission).

Allele frequency attached by ClinVar (database versions not stated): TOPMed below 0.00001; gnomAD 0.00001.
gnomAD v4.1: 1 of 1,612,990 alleles (0.000062%); highest among the groups gnomAD compares: Non-Finnish European, 0.000085%; no homozygotes.

Submission:

GeneDx
Classification: Uncertain significance. Last evaluated: 2022-03-15. Review status: criteria provided, single submitter. Criteria: GeneDx Variant Classification Process June 2021. Collection method: clinical testing. Allele origin: germline. Affected: yes.
Comment: Not observed at significant frequency in large population cohorts (gnomAD); In silico analysis supports that this missense variant has a deleterious effect on protein structure/function; Has not been previously published as pathogenic or benign to our knowledge